The following is an entry in ClinVar:

NM_006059.4(LAMC3):c.3778-248C>T

Gene: LAMC3 (laminin subunit gamma 3; plus strand). Cytogenetic location: 9q34.12.
Variant type: single nucleotide variant.
Coding change: c.3778-248C>T on transcript NM_006059.4 (MANE Select); 248 bases into the intron before coding-DNA position 3778, C replaced by T.
Molecular consequence: intron variant.
Genome position (GRCh38, 1-based): chr9:131,078,901, C>T. VCF-style: chr9-131078901-C-T. GRCh37 (hg19) VCF-style: chr9-133954288-C-T.
Identifiers: ClinVar variation 683006 (VCV000683006.1), dbSNP rs11791527, ClinGen allele CA12973168.

ClinVar aggregate classification (germline): Benign (1 of 4 stars; one submission).

Allele frequency attached by ClinVar (database versions not stated): 1000 Genomes Project 30x 0.42099; 1000 Genomes Project 0.42412; TOPMed 0.45104; gnomAD 0.46321 and 0.46357.
gnomAD v4.1: 70,289 of 152,122 alleles (46%); highest among the groups gnomAD compares: Non-Finnish European, 49%; 16,357 homozygotes.

Submission:

GeneDx
Classification: Benign. Last evaluated: 2018-06-14. Review status: criteria provided, single submitter. Criteria: GeneDx Variant Classification (06012015). Collection method: clinical testing. Allele origin: germline. Affected: yes.
Comment: This variant is considered likely benign or benign based on one or more of the following criteria: it is a conservative change, it occurs at a poorly conserved position in the protein, it is predicted to be benign by multiple in silico algorithms, and/or has population frequency not consistent with disease.